The following is an entry in ClinVar:

NM_005228.5(EGFR):c.443T>G (p.Val148Gly)

Gene: EGFR (epidermal growth factor receptor; plus strand). Cytogenetic location: 7p11.2.
Variant type: single nucleotide variant.
Coding change: c.443T>G on transcript NM_005228.5 (MANE Select); coding-DNA position 443, T replaced by G.
Protein change: p.Val148Gly; replaces valine 148 with glycine.
Molecular consequence: missense variant. On other transcripts: intron variant (3).
Genome position (GRCh38, 1-based): chr7:55,146,624, T>G. VCF-style: chr7-55146624-T-G. GRCh37 (hg19) VCF-style: chr7-55214317-T-G.
Other names: c.443T>G, p.Val148Gly (NM_001346898.2, NM_201282.2, NM_201283.2 and 1 more transcripts); c.284T>G, p.Val95Gly (NM_001346900.2); c.424+3136T>G (NM_001346899.2, NM_001346897.2); c.89-9206T>G (NM_001346941.2); short protein forms V148G, V95G.
Identifiers: ClinVar variation 5035744 (VCV005035744.1).
Genomic context (GRCh38, chr7:55,146,624, plus strand): 5'-GGAGCTGGAAAGAGTGCTCACCGCAGTTCCATTCTCCCGCAGAAATCCTGCATGGCGCCG[T>G]GCGGTTCAGCAACAACCCTGCCCTGTGCAACGTGGAGAGCATCCAGTGGCGGGACATAGT-3'
Protein context (NP_005219.2, residues 138-158): RNLQEILHGA[Val148Gly]RFSNNPALCN

ClinVar aggregate classification (germline): Uncertain significance (1 of 4 stars; one submission).

Conditions:
Hereditary cancer-predisposing syndrome. Also called: Hereditary Cancer Syndrome; Neoplastic Syndromes, Hereditary; Tumor predisposition; Hereditary neoplastic syndrome. Identifiers: Orphanet 140162, MedGen C0027672, MeSH D009386, MONDO:0015356.

Submission:

Ambry Genetics
Classification: Uncertain significance for Hereditary cancer-predisposing syndrome. Last evaluated: 2026-06-23. Review status: criteria provided, single submitter. Criteria: Ambry Variant Classification Scheme 2023. Collection method: clinical testing. Allele origin: germline.
Comment: The p.V148G variant (also known as c.443T>G), located in coding exon 4 of the EGFR gene, results from a T to G substitution at nucleotide position 443. The valine at codon 148 is replaced by glycine, an amino acid with dissimilar properties. This amino acid position is conserved. In addition, this alteration is predicted to be deleterious by in silico analysis. Based on the available evidence, the clinical significance of this variant remains unclear.